The following is an entry in ClinVar:

NM_024675.4(PALB2):c.3114-20A>G

Gene: PALB2 (partner and localizer of BRCA2; minus strand). Cytogenetic location: 16p12.2.
Variant type: single nucleotide variant.
Coding change: c.3114-20A>G on transcript NM_024675.4 (MANE Select); 20 bases into the intron before coding-DNA position 3114, A replaced by G.
Molecular consequence: intron variant.
Genome position (GRCh38, 1-based): chr16:23,614,111, T>C on the plus strand (A>G on the coding strand, the complement: PALB2 is on the minus strand). VCF-style: chr16-23614111-T-C. GRCh37 (hg19) VCF-style: chr16-23625432-T-C.
Identifiers: ClinVar variation 1547044 (VCV001547044.9), dbSNP rs770731003, ClinGen allele CA7963422.

ClinVar aggregate classification (germline): Benign/Likely benign. Review status: criteria provided, multiple submitters, no conflicts (2 of 4 stars). 2 submissions from 2 submitters: Benign (1); Likely benign (1). Last evaluated 2025-12-09.

Conditions:
Familial cancer of breast. Also called: hereditary breast carcinoma; Hereditary breast cancer; BREAST CANCER, FAMILIAL. Identifiers: Orphanet 227535, MedGen C0346153, MONDO:0016419, OMIM 114480. Disease mechanism: loss of function.

Allele frequency attached by ClinVar (database versions not stated): gnomAD exomes below 0.00001 and 0.00001; ExAC 0.00002.
gnomAD v4.1: 4 of 1,513,964 alleles (0.00026%); highest among the groups gnomAD compares: South Asian, 0.0045%; no homozygotes.

Submissions (2):

Labcorp Genetics (formerly Invitae), Labcorp
Classification: Likely benign for Familial cancer of breast. Last evaluated: 2025-12-09. Review status: criteria provided, single submitter. Criteria: Invitae Variant Classification Sherloc (09022015). Collection method: clinical testing. Allele origin: germline.

Myriad Genetics, Inc.
Classification: Benign for Familial cancer of breast. Last evaluated: 2023-03-08. Review status: criteria provided, single submitter. Criteria: Myriad Autosomal Dominant, Autosomal Recessive and X-Linked Classification Criteria (2023). Collection method: clinical testing. Allele origin: unknown.
Comment: This variant is considered benign. Homozygosity for this variant has been confirmed in one or more individuals lacking clinical features consistent with gene-specific recessive disease, indicating that this variant is unlikely to be pathogenic.